The following is an entry in ClinVar:

ClinVar aggregate classification (germline): Conflicting classifications of pathogenicity. Review status: criteria provided, conflicting classifications (1 of 4 stars). 7 submissions from 7 submitters: Uncertain significance (1); Benign (1); Likely benign (4). 1 of the submissions does not count toward it. Last evaluated 2026-05-01.

Conditions:
ADGRV1-related disorder. Also called: ADGRV1-related condition; ADGRV1-related disorders.

Allele frequency attached by ClinVar (database versions not stated): gnomAD exomes 0.00006 and 0.00015; ExAC 0.00022; ESP Exome Variant Server 0.00050; TOPMed 0.00073; gnomAD 0.00074 and 0.00078; 1000 Genomes Project 30x 0.00094; 1000 Genomes Project 0.00100.
gnomAD v4.1: 198 of 1,613,540 alleles (0.012%); highest among the groups gnomAD compares: African/African-American, 0.24%; no homozygotes.

Submissions (7):

CeGaT Center for Human Genetics Tuebingen
Classification: Likely benign. Last evaluated: 2026-05-01. Review status: criteria provided, single submitter. Criteria: CeGaT Center For Human Genetics Tuebingen Variant Classification Criteria Version 2. Collection method: clinical testing. Allele origin: germline. Affected: yes. Observed: 1 variant allele.
Comment: ADGRV1: BP4, BP7

Labcorp Genetics (formerly Invitae), Labcorp
Classification: Benign. Last evaluated: 2026-01-16. Review status: criteria provided, single submitter. Criteria: Invitae Variant Classification Sherloc (09022015). Collection method: clinical testing. Allele origin: germline.

Blueprint Genetics
Classification: Likely benign. Last evaluated: 2024-02-27. Review status: criteria provided, single submitter. Criteria: ACMG Guidelines, 2015. Collection method: clinical testing. Allele origin: germline.

GeneDx
Classification: Likely benign. Last evaluated: 2020-09-09. Review status: criteria provided, single submitter. Criteria: GeneDx Variant Classification Process June 2021. Collection method: clinical testing. Allele origin: germline. Affected: yes.

Eurofins Ntd Llc (ga)
Classification: Uncertain significance. Last evaluated: 2018-08-01. Review status: criteria provided, single submitter. Criteria: EGL ClinVar v180209 classification definitions. Collection method: clinical testing. Allele origin: germline. Observed: 4 variant alleles, 4 heterozygotes.

Laboratory for Molecular Medicine, Mass General Brigham Personalized Medicine
Classification: Likely benign. Last evaluated: 2017-04-25. Review status: criteria provided, single submitter. Criteria: LMM Criteria. Collection method: clinical testing. Allele origin: germline. Observed: 1 variant allele.
Comment: p.Leu3521Leu in exon 51 of GPR98: This variant is not expected to have clinical significance because it does not alter an amino acid residue, is not located wit hin the splice consensus sequence, and has been identified in 0.2% (57/24008) of African chromosomes by the Genome Aggregation Database (gnomAD; dbSNP rs200946170).

PreventionGenetics, part of Exact Sciences
Classification: Likely benign for ADGRV1-related condition. Last evaluated: 2019-08-28. Review status: no assertion criteria provided. Collection method: clinical testing. Allele origin: germline. Not counted in ClinVar's aggregate classification.
Comment: This variant is classified as likely benign based on ACMG/AMP sequence variant interpretation guidelines (Richards et al. 2015 PMID: 25741868, with internal and published modifications).

NM_032119.4(ADGRV1):c.10563T>C (p.Leu3521=)

Gene: ADGRV1 (adhesion G protein-coupled receptor V1; plus strand). Cytogenetic location: 5q14.3.
Variant type: single nucleotide variant.
Coding change: c.10563T>C on transcript NM_032119.4 (MANE Select); coding-DNA position 10563, T replaced by C.
Protein change: p.Leu3521=; no amino-acid change (leucine 3521 retained).
Molecular consequence: synonymous variant. On other transcripts: non-coding transcript variant (1).
Genome position (GRCh38, 1-based): chr5:90,745,059, T>C. VCF-style: chr5-90745059-T-C. GRCh37 (hg19) VCF-style: chr5-90040876-T-C.
Identifiers: ClinVar variation 197928 (VCV000197928.27), dbSNP rs200946170, ClinGen allele CA246318.